The following is an entry in ClinVar:

ClinVar aggregate classification (germline): Benign. Review status: criteria provided, multiple submitters, no conflicts (2 of 4 stars). 3 submissions from 3 submitters: Benign (2). 1 of the submissions does not count toward it. Last evaluated 2018-07-06.

Allele frequency attached by ClinVar (database versions not stated): gnomAD exomes 0.00214 and 0.00565; ExAC 0.00693; gnomAD 0.02393 and 0.02579; ESP Exome Variant Server 0.02425; 1000 Genomes Project 0.02636; TOPMed 0.02716; 1000 Genomes Project 30x 0.02811.
gnomAD v4.1: 6,932 of 1,613,872 alleles (0.43%); highest among the groups gnomAD compares: African/African-American, 8.1%; 296 homozygotes.

Submissions (3):

GeneDx
Classification: Benign. Last evaluated: 2018-07-06. Review status: criteria provided, single submitter. Criteria: GeneDx Variant Classification Process June 2021. Collection method: clinical testing. Allele origin: germline. Affected: yes.

Breakthrough Genomics
Classification: Benign. Review status: criteria provided, single submitter. Criteria: ACMG Guidelines, 2015. Collection method: not provided. Allele origin: germline. Inheritance: Autosomal recessive inheritance. Affected: yes.

Genetic Services Laboratory, University of Chicago
Classification: Likely benign. Review status: no assertion criteria provided. Collection method: clinical testing. Allele origin: germline. Inheritance: Autosomal recessive inheritance. Not counted in ClinVar's aggregate classification.
Comment: Likely benign based on allele frequency in 1000 Genomes Project or ESP global frequency and its presence in a patient with a rare or unrelated disease phenotype. NOT Sanger confirmed

NM_001082538.3(TCTN1):c.341+46G>T

Gene: TCTN1 (tectonic family member 1; plus strand). Cytogenetic location: 12q24.11.
Variant type: single nucleotide variant.
Coding change: c.341+46G>T on transcript NM_001082538.3 (MANE Select); 46 bases into the intron after coding-DNA position 341, G replaced by T.
Molecular consequence: intron variant.
Genome position (GRCh38, 1-based): chr12:110,620,002, G>T. VCF-style: chr12-110620002-G-T. GRCh37 (hg19) VCF-style: chr12-111057807-G-T.
Other names: c.173+46G>T (NM_001173975.3, NM_001319682.3); c.161+46G>T (NM_001173976.2); c.-367+46G>T (NM_001319681.2); c.341+46G>T (NM_024549.6, NM_001082537.3, NM_001319680.2).
Identifiers: ClinVar variation 160097 (VCV000160097.8), dbSNP rs80078413, ClinGen allele CA173659.
Genomic context (GRCh38, chr12:110,620,002, plus strand): 5'-AGTTCCAGTTGTCACGTAAGTTTACGTATGACACATGCAATTTTGAAAAAATTTGACCAG[G>T]ATAATACAATTTGGAGAAAGGGAAAACTTTCCCAGGCTTAAAAACCCAAACCTGATTTCC-3'